The following is an entry in ClinVar:

ClinVar aggregate classification (germline): Uncertain significance. Review status: criteria provided, multiple submitters, no conflicts (2 of 4 stars). 4 submissions from 4 submitters: Uncertain significance (4). Last evaluated 2025-12-14.

Conditions:
Hereditary cancer-predisposing syndrome. Also called: Tumor predisposition; Hereditary Cancer Syndrome; Hereditary neoplastic syndrome; Neoplastic Syndromes, Hereditary. Identifiers: Orphanet 140162, MedGen C0027672, MeSH D009386, MONDO:0015356.
Hereditary pheochromocytoma and paraganglioma. Also called: Hereditary paragangliomas and pheochromocytomas; Hereditary Paraganglioma-Pheochromocytoma Syndromes; Hereditary pheochromocytoma-paraganglioma. Identifiers: Orphanet 29072, MedGen C4274332, MONDO:0017366.
Pheochromocytoma. Also called: MAX-Related Hereditary Paraganglioma-Pheochromocytoma Syndrome. Identifiers: Orphanet 29072, MedGen C0031511, MONDO:0008233, OMIM 171300, HP:0002666.

Allele frequency attached by ClinVar (database versions not stated): TOPMed 0.00001.
gnomAD v4.1: 1 of 1,614,244 alleles (0.000062%); highest among the groups gnomAD compares: Admixed American, 0.0017%; no homozygotes.

Submissions (4):

Labcorp Genetics (formerly Invitae), Labcorp
Classification: Uncertain significance for Hereditary pheochromocytoma and paraganglioma. Last evaluated: 2025-12-14. Review status: criteria provided, single submitter. Criteria: Invitae Variant Classification Sherloc (09022015). Collection method: clinical testing. Allele origin: germline.
Comment: This sequence change replaces lysine, which is basic and polar, with threonine, which is neutral and polar, at codon 89 of the MAX protein (p.Lys89Thr). This variant is not present in population databases (gnomAD no frequency). This variant has not been reported in the literature in individuals affected with MAX-related conditions. ClinVar contains an entry for this variant (Variation ID: 2170231). An algorithm developed to predict the effect of missense changes on protein structure and function (PolyPhen-2) suggests that this variant is likely to be tolerated. In summary, the available evidence is currently insufficient to determine the role of this variant in disease. Therefore, it has been classified as a Variant of Uncertain Significance.

GeneDx
Classification: Uncertain significance. Last evaluated: 2024-11-27. Review status: criteria provided, single submitter. Criteria: GeneDx Variant Classification Process June 2021. Collection method: clinical testing. Allele origin: germline. Affected: yes.
Comment: Not observed at significant frequency in large population cohorts (gnomAD); In silico analysis supports that this missense variant has a deleterious effect on protein structure/function; Has not been previously published as pathogenic or benign to our knowledge; This variant is associated with the following publications: (PMID: 1730412)

Ambry Genetics
Classification: Uncertain significance for Hereditary cancer-predisposing syndrome. Last evaluated: 2024-10-04. Review status: criteria provided, single submitter. Criteria: Ambry Variant Classification Scheme 2023. Collection method: clinical testing. Allele origin: germline.
Comment: The p.K89T variant (also known as c.266A>C), located in coding exon 4 of the MAX gene, results from an A to C substitution at nucleotide position 266. The lysine at codon 89 is replaced by threonine, an amino acid with similar properties. This amino acid position is conserved. In addition, this alteration is predicted to be deleterious by in silico analysis. Based on the available evidence, the clinical significance of this variant remains unclear.

Baylor Genetics
Classification: Uncertain significance for Pheochromocytoma. Last evaluated: 2023-10-22. Review status: criteria provided, single submitter. Criteria: ACMG Guidelines, 2015. Collection method: clinical testing. Allele origin: unknown.

NM_002382.5(MAX):c.266A>C (p.Lys89Thr)

Gene: MAX (MYC associated transcriptional regulator X; minus strand). Cytogenetic location: 14q23.3.
Variant type: single nucleotide variant.
Coding change: c.266A>C on transcript NM_002382.5 (MANE Select); coding-DNA position 266, A replaced by C.
Protein change: p.Lys89Thr; replaces lysine 89 with threonine.
Molecular consequence: missense variant. On other transcripts: 5 prime UTR variant (1), intron variant (2).
Genome position (GRCh38, 1-based): chr14:65,077,942, T>G on the plus strand (A>C on the coding strand, the complement: MAX is on the minus strand). VCF-style: chr14-65077942-T-G. GRCh37 (hg19) VCF-style: chr14-65544660-T-G.
Other names: c.-9A>C (NM_001320415.2, NM_001407105.1, NM_001407106.1 and 1 more transcripts); c.266A>C, p.Lys89Thr (NM_001407094.1, NM_001407096.1, NM_001407097.1 and 3 more transcripts); c.239A>C, p.Lys80Thr (NM_001407095.1, NM_001407099.1, NM_001407100.1 and 6 more transcripts); c.158A>C, p.Lys53Thr (NM_001407098.1); c.-102A>C (NM_001407111.1, NM_001407112.1); c.144+15766A>C (NM_001271069.2); c.171+15766A>C (NM_197957.4); short protein forms K53T, K80T, K89T.
Identifiers: ClinVar variation 2170231 (VCV002170231.7), dbSNP rs2063103739, ClinGen allele CA390035514.